The following is an entry in ClinVar:

ClinVar aggregate classification (germline): Likely benign. Review status: criteria provided, multiple submitters, no conflicts (2 of 4 stars). 5 submissions from 5 submitters: Likely benign (5). Last evaluated 2025-07-17.

Conditions:
Idiopathic Pulmonary Fibrosis. Also called: Idiopathic fibrosing alveolitis, chronic form; idiopathic fibrosing alveolitis. Identifiers: Orphanet 2032, MedGen C1800706, MeSH D054990, MONDO:0800504.
Dyskeratosis congenita, autosomal dominant 2. Identifiers: MedGen C3151443, MONDO:0013521, OMIM 613989.
Dyskeratosis congenita. Identifiers: Orphanet 1775, MedGen C0265965, MONDO:0015780.

Allele frequency attached by ClinVar (database versions not stated): gnomAD exomes 0.00003 and 0.00004; ExAC 0.00004; TOPMed 0.00006; ESP Exome Variant Server 0.00008; gnomAD 0.00008 and 0.00009.
gnomAD v4.1: 69 of 1,582,840 alleles (0.0044%); highest among the groups gnomAD compares: Admixed American, 0.009%; no homozygotes.

Submissions (5):

Labcorp Genetics (formerly Invitae), Labcorp
Classification: Likely benign for Dyskeratosis congenita, autosomal dominant 2; Idiopathic Pulmonary Fibrosis. Last evaluated: 2025-07-17. Review status: criteria provided, single submitter. Criteria: Invitae Variant Classification Sherloc (09022015). Collection method: clinical testing. Allele origin: germline.

CeGaT Center for Human Genetics Tuebingen
Classification: Likely benign. Last evaluated: 2025-07-01. Review status: criteria provided, single submitter. Criteria: CeGaT Center For Human Genetics Tuebingen Variant Classification Criteria Version 2. Collection method: clinical testing. Allele origin: germline. Affected: yes. Observed: 1 variant allele.
Comment: TERT: BP4, BP7

Blueprint Genetics
Classification: Likely benign. Last evaluated: 2024-11-19. Review status: criteria provided, single submitter. Criteria: ACMG Guidelines, 2015. Collection method: clinical testing. Allele origin: germline.

Ambry Genetics
Classification: Likely benign for Dyskeratosis congenita. Last evaluated: 2022-02-27. Review status: criteria provided, single submitter. Criteria: Ambry Variant Classification Scheme 2023. Collection method: clinical testing. Allele origin: germline.

Genetic Services Laboratory, University of Chicago
Classification: Likely benign. Last evaluated: 2021-05-26. Review status: criteria provided, single submitter. Criteria: ACMG Guidelines, 2015. Collection method: clinical testing. Allele origin: germline. Affected: no.

NM_198253.3(TERT):c.2118G>A (p.Leu706=)

Gene: TERT (telomerase reverse transcriptase; minus strand). Cytogenetic location: 5p15.33.
Variant type: single nucleotide variant.
Coding change: c.2118G>A on transcript NM_198253.3 (MANE Select); coding-DNA position 2118, G replaced by A.
Protein change: p.Leu706=; no amino-acid change (leucine 706 retained).
Molecular consequence: synonymous variant. On other transcripts: non-coding transcript variant (2).
Genome position (GRCh38, 1-based): chr5:1,279,303, C>T on the plus strand (G>A on the coding strand, the complement: TERT is on the minus strand). VCF-style: chr5-1279303-C-T. GRCh37 (hg19) VCF-style: chr5-1279418-C-T.
Other names: c.2118G>A, p.Leu706= (NM_001193376.3).
Identifiers: ClinVar variation 416286 (VCV000416286.27), dbSNP rs377030225, ClinGen allele CA3184668.